The following is an entry in ClinVar:

ClinVar aggregate classification (germline): Pathogenic (1 of 4 stars; one submission).

Submission:

GeneDx
Classification: Pathogenic. Last evaluated: 2018-02-08. Review status: criteria provided, single submitter. Criteria: GeneDx Variant Classification (06012015). Collection method: clinical testing. Allele origin: germline. Affected: yes.
Comment: The E836X variant in the RASA1 gene has not been reported previously as a pathogenic variant nor as a benign variant, to our knowledge. This variant is predicted to cause loss of normal protein function either through protein truncation or nonsense-mediated mRNA decay. The E836X variant is not observed in large population cohorts (Lek et al., 2016). We interpret E836X as a pathogenic variant.

NM_002890.3(RASA1):c.2506G>T (p.Glu836Ter)

Genes: CCNH (cyclin H; minus strand), RASA1 (RAS p21 protein activator 1; plus strand). Cytogenetic location: 5q14.3.
Variant type: single nucleotide variant.
Coding change: c.2506G>T on transcript NM_002890.3 (MANE Select); coding-DNA position 2506, G replaced by T.
Protein change: p.Glu836Ter; replaces glutamic acid 836 with a stop codon.
Molecular consequence: nonsense. On other transcripts: intron variant (1).
Genome position (GRCh38, 1-based): chr5:87,379,753, G>T. VCF-style: chr5-87379753-G-T. GRCh37 (hg19) VCF-style: chr5-86675570-G-T.
Other names: c.1975G>T, p.Glu659Ter (NM_022650.3); c.933+15291C>A (NM_001364075.2); short protein forms E836*, E659*.
Identifiers: ClinVar variation 504107 (VCV000504107.4), dbSNP rs1554049816, ClinGen allele CA360383651.
Genomic context (GRCh38, chr5:87,379,753, plus strand): 5'-CATTGCCAACATGCATTTATATTGATTTATTCCTTCTTTTAGTTAAGTCCATCAAAGTTA[G>T]AAAAAAATGAAGATGTGAACACTAATTTAACACACCTATTGAACATACTTTCAGAGCTTG-3'